The following is an entry in ClinVar:

NM_206926.2(SELENON):c.307A>G (p.Thr103Ala)

Gene: SELENON (selenoprotein N; plus strand). Cytogenetic location: 1p36.11.
Variant type: single nucleotide variant.
Coding change: c.307A>G on transcript NM_206926.2 (MANE Select); coding-DNA position 307, A replaced by G.
Protein change: p.Thr103Ala; replaces threonine 103 with alanine.
Molecular consequence: missense variant.
Genome position (GRCh38, 1-based): chr1:25,805,147, A>G. VCF-style: chr1-25805147-A-G. GRCh37 (hg19) VCF-style: chr1-26131638-A-G.
Other names: c.409A>G, p.Thr137Ala (NM_020451.3); short protein forms T137A, T103A.
Identifiers: ClinVar variation 130284 (VCV000130284.29), dbSNP rs35019869, ClinGen allele CA155162.

ClinVar aggregate classification (germline): Benign. Review status: criteria provided, multiple submitters, no conflicts (2 of 4 stars). 11 submissions from 11 submitters: Benign (7). 4 of the submissions do not count toward it. Last evaluated 2026-02-04.

Conditions:
SEPN1-related disorder. Also called: SEPN1-Related Disorders. Identifiers: MedGen CN239420.
Eichsfeld type congenital muscular dystrophy (CMYO3). Also called: SELENON-related myopathy; Congenital myopathy 3 with rigid spine; Rigid spine muscular dystrophy 1; MYOPATHY, SEPN1-RELATED. Identifiers: MedGen C0410180, MONDO:0100100, OMIM 602771.

Allele frequency attached by ClinVar (database versions not stated): 1000 Genomes Project 0.00739; gnomAD 0.01217 and 0.01231; TOPMed 0.01230; ExAC 0.01288; gnomAD exomes 0.01294 and 0.01529; 1000 Genomes Project 30x 0.00812; ESP Exome Variant Server 0.01224.
gnomAD v4.1: 24,155 of 1,613,160 alleles (1.5%); highest among the groups gnomAD compares: Non-Finnish European, 1.7%; 198 homozygotes.

Submissions (27):

Labcorp Genetics (formerly Invitae), Labcorp
Classification: Benign for Eichsfeld type congenital muscular dystrophy. Last evaluated: 2026-02-04. Review status: criteria provided, single submitter. Criteria: Invitae Variant Classification Sherloc (09022015). Collection method: clinical testing. Allele origin: germline.

Illumina Laboratory Services, Illumina
Classification: Benign for SEPN1-Related Disorders. Last evaluated: 2018-01-13. Review status: criteria provided, single submitter. Criteria: ICSL Variant Classification Criteria 13 December 2019. Collection method: clinical testing. Allele origin: germline.
Comment: This variant was observed in the ICSL laboratory as part of a predisposition screen in an ostensibly healthy population. It had not been previously curated by ICSL or reported in the Human Gene Mutation Database (HGMD: prior to June 1st, 2018), and was therefore a candidate for classification through an automated scoring system. Utilizing variant allele frequency, disease prevalence and penetrance estimates, and inheritance mode, an automated score was calculated to assess if this variant is too frequent to cause the disease. Based on the score and internal cut-off values, a variant classified as benign is not then subjected to further curation. The score for this variant resulted in a classification of benign for this disease.

Mayo Clinic Laboratories, Mayo Clinic
Classification: Benign. Last evaluated: 2018-01-04. Review status: criteria provided, single submitter. Criteria: ACMG Guidelines, 2015. Collection method: clinical testing. Allele origin: germline. Observed: 24 variant alleles.

Laboratory for Molecular Medicine, Mass General Brigham Personalized Medicine
Classification: Benign. Last evaluated: 2017-06-05. Review status: criteria provided, single submitter. Criteria: LMM Criteria. Collection method: clinical testing. Allele origin: germline. Observed: 1 variant allele.
Comment: p.Thr137Ala in exon 4 of SEPN1: This variant is not expected to have clinical si gnificance because it has been identified in 1.9% (1268/67520) of European chrom osomes by the Exome Aggregation Consortium (ExAC ; dbSNP rs35019869).

GeneDx
Classification: Benign. Last evaluated: 2016-03-01. Review status: criteria provided, single submitter. Criteria: GeneDx Variant Classification (06012015). Collection method: clinical testing. Allele origin: germline. Affected: yes.
Comment: This variant is considered likely benign or benign based on one or more of the following criteria: it is a conservative change, it occurs at a poorly conserved position in the protein, it is predicted to be benign by multiple in silico algorithms, and/or has population frequency not consistent with disease.

Breakthrough Genomics
Classification: Benign. Review status: criteria provided, single submitter. Criteria: ACMG Guidelines, 2015. Collection method: not provided. Allele origin: germline. Inheritance: Autosomal recessive inheritance. Affected: yes.

PreventionGenetics, part of Exact Sciences
Classification: Benign. Review status: criteria provided, single submitter. Criteria: ACMG Guidelines, 2015. Collection method: clinical testing. Allele origin: germline.

Clinical Genetics, Academic Medical Center
Classification: Likely benign. Review status: no assertion criteria provided. Collection method: clinical testing. Allele origin: germline. Affected: yes. Study: VKGL Data-share Consensus. Not counted in ClinVar's aggregate classification.

Dr. Peter K. Rogan Lab, Western University
No classification provided (evidence only). Condition: Clear cell carcinoma of kidney. Review status: no classification provided. Collection method: in vitro. Allele origin: not applicable. Functional consequence: retained intron. Not counted in ClinVar's aggregate classification.

Dr. Peter K. Rogan Lab, Western University
No classification provided (evidence only). Condition: Melanoma. Review status: no classification provided. Collection method: in vitro. Allele origin: not applicable. Functional consequence: skipped exon. Not counted in ClinVar's aggregate classification.

Dr. Peter K. Rogan Lab, Western University
No classification provided (evidence only). Condition: Acute myeloid leukemia. Review status: no classification provided. Collection method: in vitro. Allele origin: not applicable. Functional consequence: retained intron. Not counted in ClinVar's aggregate classification.

Dr. Peter K. Rogan Lab, Western University
No classification provided (evidence only). Condition: Colon adenocarcinoma. Review status: no classification provided. Collection method: in vitro. Allele origin: not applicable. Functional consequence: retained intron. Not counted in ClinVar's aggregate classification.

Dr. Peter K. Rogan Lab, Western University
No classification provided (evidence only). Condition: Colorectal cancer. Review status: no classification provided. Collection method: in vitro. Allele origin: not applicable. Functional consequence: retained intron. Not counted in ClinVar's aggregate classification.

Dr. Peter K. Rogan Lab, Western University
No classification provided (evidence only). Condition: Thyroid cancer, nonmedullary, 1. Review status: no classification provided. Collection method: in vitro. Allele origin: not applicable. Functional consequence: retained intron. Not counted in ClinVar's aggregate classification.

Dr. Peter K. Rogan Lab, Western University
No classification provided (evidence only). Condition: Uterine corpus endometrial carcinoma. Review status: no classification provided. Collection method: in vitro. Allele origin: not applicable. Functional consequence: retained intron. Not counted in ClinVar's aggregate classification.

Dr. Peter K. Rogan Lab, Western University
No classification provided (evidence only). Condition: Uterine corpus endometrial carcinoma. Review status: no classification provided. Collection method: in vitro. Allele origin: not applicable. Functional consequence: retained intron. Not counted in ClinVar's aggregate classification.

Dr. Peter K. Rogan Lab, Western University
No classification provided (evidence only). Condition: Cervical cancer. Review status: no classification provided. Collection method: in vitro. Allele origin: not applicable. Functional consequence: retained intron. Not counted in ClinVar's aggregate classification.

Dr. Peter K. Rogan Lab, Western University
No classification provided (evidence only). Condition: Cervical cancer. Review status: no classification provided. Collection method: in vitro. Allele origin: not applicable. Functional consequence: retained intron. Not counted in ClinVar's aggregate classification.

Dr. Peter K. Rogan Lab, Western University
No classification provided (evidence only). Condition: Sarcoma. Review status: no classification provided. Collection method: in vitro. Allele origin: not applicable. Functional consequence: retained intron. Not counted in ClinVar's aggregate classification.

Dr. Peter K. Rogan Lab, Western University
No classification provided (evidence only). Condition: Sarcoma. Review status: no classification provided. Collection method: in vitro. Allele origin: not applicable. Functional consequence: retained intron. Not counted in ClinVar's aggregate classification.

Dr. Peter K. Rogan Lab, Western University
No classification provided (evidence only). Condition: Sarcoma. Review status: no classification provided. Collection method: in vitro. Allele origin: not applicable. Functional consequence: retained intron. Not counted in ClinVar's aggregate classification.

Dr. Peter K. Rogan Lab, Western University
No classification provided (evidence only). Condition: Thymoma. Review status: no classification provided. Collection method: in vitro. Allele origin: not applicable. Functional consequence: retained intron. Not counted in ClinVar's aggregate classification.

Dr. Peter K. Rogan Lab, Western University
No classification provided (evidence only). Condition: Clear cell carcinoma of kidney. Review status: no classification provided. Collection method: in vitro. Allele origin: not applicable. Functional consequence: retained intron. Not counted in ClinVar's aggregate classification.

Dr. Peter K. Rogan Lab, Western University
No classification provided (evidence only). Condition: Clear cell carcinoma of kidney. Review status: no classification provided. Collection method: in vitro. Allele origin: not applicable. Functional consequence: retained intron. Not counted in ClinVar's aggregate classification.

Genetic Services Laboratory, University of Chicago
Classification: Likely benign for AllHighlyPenetrant. Review status: no assertion criteria provided. Collection method: clinical testing. Allele origin: germline. Inheritance: Autosomal recessive inheritance. Not counted in ClinVar's aggregate classification.
Comment: Likely benign based on allele frequency in 1000 Genomes Project or ESP global frequency and its presence in a patient with a rare or unrelated disease phenotype. NOT Sanger confirmed.

Genome Diagnostics Laboratory, University Medical Center Utrecht
Classification: Likely benign. Review status: no assertion criteria provided. Collection method: clinical testing. Allele origin: germline. Affected: yes. Study: VKGL Data-share Consensus. Not counted in ClinVar's aggregate classification.

Laboratory of Diagnostic Genome Analysis, Leiden University Medical Center (LUMC)
Classification: Likely benign. Review status: no assertion criteria provided. Collection method: clinical testing. Allele origin: germline. Affected: yes. Study: VKGL Data-share Consensus. Not counted in ClinVar's aggregate classification.